The following is an entry in ClinVar:

ClinVar aggregate classification (germline): Pathogenic. Review status: criteria provided, multiple submitters, no conflicts (2 of 4 stars). 11 submissions from 10 submitters: Pathogenic (10). 1 of the submissions does not count toward it. Last evaluated 2025-05-15.

Conditions:
Maple syrup urine disease type 1A (MSUD1A). Also called: MSUD type 1A. Identifiers: MedGen C1855369, MONDO:0023691, OMIM 248600.
Maple syrup urine disease (MSUD). Identifiers: Orphanet 511, MedGen C0024776, MeSH D008375, MONDO:0009563. Disease mechanism: loss of function.

Allele frequency attached by ClinVar (database versions not stated): gnomAD 0.00001; TOPMed 0.00002.

Submissions (11):

Natera, Inc.
Classification: Pathogenic for Maple syrup urine disease type 1A. Last evaluated: 2025-05-15. Review status: criteria provided, single submitter. Criteria: Natera Variant Classification Schema (03/2026). Collection method: clinical testing. Allele origin: germline.
Comment: The c.940C>T variant in BCKDHA is a nonsense variant predicted to introduce a stop codon at amino acid 314. This variant is expected to result in nonsense mediated decay, truncation, or a dysfunctional protein product. This variant is rare in the general population with a frequency below the threshold expected for the associated phenotype(s). This variant has been observed in one or more individuals affected with the associated recessive disease, as either homozygous or compound heterozygous with a second variant (PMID: 26257134, 16468966). Given the available evidence, this variant is classified as Pathogenic.

Fulgent Genetics
Classification: Pathogenic for Maple syrup urine disease type 1A. Last evaluated: 2024-06-12. Review status: criteria provided, single submitter. Criteria: ACMG Guidelines, 2015. Collection method: clinical testing. Allele origin: germline.

Baylor Genetics
Classification: Pathogenic for Maple syrup urine disease type 1A. Last evaluated: 2024-02-23. Review status: criteria provided, single submitter. Criteria: ACMG Guidelines, 2015. Collection method: clinical testing. Allele origin: unknown.

Labcorp Genetics (formerly Invitae), Labcorp
Classification: Pathogenic for Maple syrup urine disease. Last evaluated: 2023-11-25. Review status: criteria provided, single submitter. Criteria: Invitae Variant Classification Sherloc (09022015). Collection method: clinical testing. Allele origin: germline.
Comment: This sequence change creates a premature translational stop signal (p.Arg314*) in the BCKDHA gene. It is expected to result in an absent or disrupted protein product. Loss-of-function variants in BCKDHA are known to be pathogenic (PMID: 16786533, 22593002). This variant is present in population databases (rs753698250, gnomAD 0.0009%). This premature translational stop signal has been observed in individuals with BCKDHA-related conditions (PMID: 14567968, 31523617). ClinVar contains an entry for this variant (Variation ID: 224072). For these reasons, this variant has been classified as Pathogenic.

Neuberg Centre For Genomic Medicine, NCGM
Classification: Pathogenic for Maple syrup urine disease type 1A. Last evaluated: 2023-06-22. Review status: criteria provided, single submitter. Criteria: ACMG Guidelines, 2015. Collection method: clinical testing. Allele origin: germline. Inheritance: Autosomal recessive inheritance. Affected: yes.
Comment: The observed stop gained c.940C>T(p.Arg314Ter) variant in BCKDHA gene has been reported previously in homozygous or compound heterozygous state in individual(s) affected with Maple syrup urine disease (MSUD) (Imtiaz et al., 2017). This variant is reported with the allele frequency of 0.0004% in the gnomAD Exomes. This variant has been reported to the ClinVar database as Pathogenic (multiple submissions). This variant is predicted to cause loss of normal protein function either through protein truncation or nonsense-mediated mRNA decay. Loss of function variants have been previously reported to be disease causing (Bashyam et al., 2012). Computational evidence (MutationTaster - Disease causing automatic) predicts damaging effect on protein structure and function for this variant. For these reasons, this variant has been classified as Pathogenic.

Genome-Nilou Lab
Classification: Pathogenic for Maple syrup urine disease type 1A. Last evaluated: 2021-11-07. Review status: criteria provided, single submitter. Criteria: ACMG Guidelines, 2015. Collection method: clinical testing. Allele origin: germline. Affected: no.

Women's Health and Genetics/Laboratory Corporation of America, LabCorp
Classification: Pathogenic for Maple Syrup Urine Disease, Type IA. Last evaluated: 2019-04-01. Review status: criteria provided, single submitter. Criteria: LabCorp Variant Classification Summary - May 2015. Collection method: clinical testing. Allele origin: germline.
Comment: Variant summary: BCKDHA c.940C>T (p.Arg314X) results in a premature termination codon, predicted to cause a truncation of the encoded protein or absence of the protein due to nonsense mediated decay, which are commonly known mechanisms for disease. The variant allele was found at a frequency of 4.1e-06 in 246078 control chromosomes. c.940C>T has been reported in the literature in multiple individuals affected with Maple Syrup Urine Disease Type 1A (Nellis_2003, Rodriguez-Pombo_2006, Gupta_2015, Imtiaz_2017). These data indicate that the variant is very likely to be associated with disease. At least one publication reports experimental evidence evaluating an impact on protein function. The most pronounced variant effect results in <10% of normal activity (Nellis_2003, Rodriguez-Pombo_2006). One clinical diagnostic laboratory has submitted clinical-significance assessments for this variant to ClinVar after 2014 without evidence for independent evaluation and classified the variant as pathogenic. Based on the evidence outlined above, the variant was classified as pathogenic.

Institute of Medical Genetics and Genomics, Sir Ganga Ram Hospital
Classification: Pathogenic for Maple syrup urine disease type 1A. Last evaluated: 2011-01-01. Review status: criteria provided, single submitter. Criteria: Submitter's publication. Collection method: research. Allele origin: germline. Affected: yes. Observed: 1 variant allele.

Juno Genomics, Hangzhou Juno Genomics, Inc
Classification: Pathogenic for Maple syrup urine disease type 1A. Review status: criteria provided, single submitter. Criteria: ACMG Guidelines, 2015. Collection method: clinical testing. Allele origin: germline. Affected: yes.
Comment: Absent from controls (or at extremely low frequency if recessive) in Genome Aggregation Database.;Null variant in a gene where loss of function (LOF) is a known mechanism of disease.;For recessive disorders, detected in trans with a pathogenic variant.;Patient's phenotype or family history is highly specific for a disease with a single genetic etiology.

Neuberg Centre For Genomic Medicine, NCGM
Classification: Pathogenic for Maple syrup urine disease type 1A. Review status: criteria provided, single submitter. Criteria: ACMG Guidelines, 2015. Collection method: clinical testing. Allele origin: germline. Inheritance: Autosomal recessive inheritance. Affected: yes.
Comment: The stop gained p.R314* in BCKDHA (NM_000709.4) has been reported in multiple affected individuals in literature (Gupta D et al,Imtiaz F et al). It has been submitted to ClinVar as Pathogenic. The p.R314* variant is observed in 1/1,13,634 (0.0009%) alleles from individuals of European (Non-Finnish) background in gnomAD Exomes and is novel (not in any individuals) in 1000 Genomes. This variant is predicted to cause loss of normal protein function through protein truncation. Loss of function variants have been reported previously to be disease causing. For these reasons, this variant has been classified as Pathogenic.

Counsyl
Classification: Pathogenic for Maple syrup urine disease type 1A. Last evaluated: 2018-01-05. Review status: no assertion criteria provided. Collection method: clinical testing. Allele origin: unknown. Not counted in ClinVar's aggregate classification.

Literature cited by the submitters: PubMed 26257134 (cited by 3 submitters); PubMed 16468966 (cited by Natera, Inc.); PubMed 16786533 (cited by 4 submitters); PubMed 22593002 (cited by Labcorp Genetics (formerly Invitae), Labcorp); PubMed 14567968 (cited by Labcorp Genetics (formerly Invitae), Labcorp and Women's Health and Genetics/Laboratory Corporation of America, LabCorp); PubMed 31523617 (cited by Labcorp Genetics (formerly Invitae), Labcorp); PubMed 28417071 (cited by Women's Health and Genetics/Laboratory Corporation of America, LabCorp).

NM_000709.4(BCKDHA):c.940C>T (p.Arg314Ter)

Gene: BCKDHA (branched chain keto acid dehydrogenase E1 subunit alpha; plus strand). Cytogenetic location: 19q13.2.
Variant type: single nucleotide variant.
Coding change: c.940C>T on transcript NM_000709.4 (MANE Select); coding-DNA position 940, C replaced by T.
Protein change: p.Arg314Ter; replaces arginine 314 with a stop codon.
Molecular consequence: nonsense.
Genome position (GRCh38, 1-based): chr19:41,422,715, C>T. VCF-style: chr19-41422715-C-T. GRCh37 (hg19) VCF-style: chr19-41928620-C-T.
Other names: c.937C>T, p.Arg313Ter (NM_001164783.2); short protein forms R314*, R313*.
Identifiers: ClinVar variation 224072 (VCV000224072.26), dbSNP rs753698250, ClinGen allele CA354952.